The following is an entry in ClinVar:

NM_000138.5(FBN1):c.5452T>C (p.Cys1818Arg)

Gene: FBN1 (fibrillin 1; minus strand). Cytogenetic location: 15q21.1.
Variant type: single nucleotide variant.
Coding change: c.5452T>C on transcript NM_000138.5 (MANE Select); coding-DNA position 5452, T replaced by C.
Protein change: p.Cys1818Arg; replaces cysteine 1818 with arginine.
Molecular consequence: missense variant.
Genome position (GRCh38, 1-based): chr15:48,452,655, A>G on the plus strand (T>C on the coding strand, the complement: FBN1 is on the minus strand). VCF-style: chr15-48452655-A-G. GRCh37 (hg19) VCF-style: chr15-48744852-A-G.
Other names: c.5452T>C, p.Cys1818Arg (NM_001406716.1); short protein forms C1818R.
Identifiers: ClinVar variation 1747622 (VCV001747622.3), dbSNP rs2505470826, ClinGen allele CA392344406.
Genomic context (GRCh38, chr15:48,452,655, plus strand): 5'-CGGGCTTACAGTCACAGCGGTAGCTGCCTGCAGTGTTGATGCATTCGGCGTTGCGCTGGC[A>G]CACTGGGCCGTTCTGACACTCGTCAATATCTACGAGCAGAAGAGAACTGAATTTGAAGGA-3'
Protein context (NP_000129.3, residues 1808-1828): DIDECQNGPV[Cys1818Arg]QRNAECINTA

ClinVar aggregate classification (germline): Likely pathogenic. Review status: criteria provided, multiple submitters, no conflicts (2 of 4 stars). 2 submissions from 2 submitters: Likely pathogenic (2). Last evaluated 2023-05-30.

Conditions:
Marfan Syndrome/Loeys-Dietz Syndrome/Familial Thoracic Aortic Aneurysms and Dissections. Identifiers: MedGen CN229799.
Familial thoracic aortic aneurysm and aortic dissection (TAAD). Also called: Thoracic aortic aneurysms and dissections. Identifiers: Orphanet 91387, MedGen C4707243, MONDO:0019625.

Submissions (2):

Women's Health and Genetics/Laboratory Corporation of America, LabCorp
Classification: Likely pathogenic for Marfan Syndrome/Loeys-Dietz Syndrome/Familial Thoracic Aortic Aneurysms and Dissections. Last evaluated: 2023-05-30. Review status: criteria provided, single submitter. Criteria: LabCorp Variant Classification Summary - May 2015. Collection method: clinical testing. Allele origin: germline.
Comment: Variant summary: FBN1 c.5452T>C (p.Cys1818Arg) results in a non-conservative amino acid change located in an EGF-like repeat domain (IPR000742), affecting a (predicted) disulfide bond (UniProt) of the encoded protein sequence. Missense mutations affecting or creating cysteine residues are listed among the criteria for a causal FBN1 mutation when identified as de novo (with proven paternity) in the revised Ghent criteria for the diagnosis of Marfan and related conditions (Loeys 2010). Five of five in-silico tools predict a damaging effect of the variant on protein function. The variant was absent in 251208 control chromosomes (gnomAD). To our knowledge, no occurrence of c.5452T>C in individuals affected with Marfan Syndrome and no experimental evidence demonstrating its impact on protein function have been reported. However, several other missense changes affecting the same residue (C1818G/S/Y) are reported in affected individuals (HGMD). The following publication have been ascertained in the context of this evaluation (PMID: 20591885). One clinical diagnostic laboratory has submitted clinical-significance assessments for this variant to ClinVar after 2014, and classified the variant as likely pathogenic. Based on the evidence outlined above, the variant was classified as likely pathogenic.

Ambry Genetics
Classification: Likely pathogenic for Familial thoracic aortic aneurysm and aortic dissection. Last evaluated: 2022-08-24. Review status: criteria provided, single submitter. Criteria: Ambry Variant Classification Scheme 2023. Collection method: clinical testing. Allele origin: germline.
Comment: The p.C1818R variant (also known as c.5452T>C), located in coding exon 44 of the FBN1 gene, results from a T to C substitution at nucleotide position 5452. The cysteine at codon 1818 is replaced by arginine, an amino acid with highly dissimilar properties. The majority of FBN1 mutations identified to date have involved the substitution or generation of cysteine residues within cbEGF domains (Vollbrandt T et al. J Biol Chem. 2004;279(31):32924-32931). Internal structural analysis indicates this alteration eliminates a disulfide bond critical for the structural integrity of the cbEGF #26 domain (Ambry internal data). This variant is considered to be rare based on population cohorts in the Genome Aggregation Database (gnomAD). This amino acid position is highly conserved in available vertebrate species. In addition, this alteration is predicted to be deleterious by in silico analysis. Based on the majority of available evidence to date, this variant is likely to be pathogenic.